The following is an entry in ClinVar:

NM_000176.3(NR3C1):c.193T>G (p.Phe65Val)

Genes: NR3C1 (nuclear receptor subfamily 3 group C member 1; minus strand), LOC129994918 (ATAC-STARR-seq lymphoblastoid active region 23342; plus strand). Cytogenetic location: 5q31.3.
Variant type: single nucleotide variant.
Coding change: c.193T>G on transcript NM_000176.3 (MANE Select); coding-DNA position 193, T replaced by G.
Protein change: p.Phe65Val; replaces phenylalanine 65 with valine.
Molecular consequence: missense variant. On other transcripts: 5 prime UTR variant (6).
Genome position (GRCh38, 1-based): chr5:143,400,647, A>C on the plus strand (T>G on the coding strand, the complement: NR3C1 is on the minus strand). VCF-style: chr5-143400647-A-C. GRCh37 (hg19) VCF-style: chr5-142780212-A-C.
Other names: c.193T>G, p.Phe65Val (NM_001018074.1, NM_001018075.1, NM_001018076.2 and 10 more transcripts); c.115T>G, p.Phe39Val (NM_001204258.2); c.-63T>G (NM_001204259.2); c.-75T>G (NM_001204260.2); c.-99T>G (NM_001204261.2); c.-753T>G (NM_001204262.2); c.-798T>G (NM_001204263.2); c.-813T>G (NM_001204264.2); short protein forms F65V, F39V.
Identifiers: ClinVar variation 722582 (VCV000722582.13), dbSNP rs6192, ClinGen allele CA3487117.

ClinVar aggregate classification (germline): Benign/Likely benign. Review status: criteria provided, multiple submitters, no conflicts (2 of 4 stars). 3 submissions from 3 submitters: Benign (1); Likely benign (2). Last evaluated 2026-01-18.

Conditions:
Glucocorticoid resistance. Also called: Glucocorticoid resistance, generalized; Gccr deficiency; Glucocorticoid receptor deficiency; Cortisol resistance from glucocorticoid receptor defect; Gcr deficiency. Identifiers: Orphanet 786, MedGen C1841972, MONDO:0014421, OMIM 615962.

Allele frequency attached by ClinVar (database versions not stated): gnomAD exomes 0.00038 and 0.00097; ExAC 0.00126; 1000 Genomes Project 0.00339; 1000 Genomes Project 30x 0.00390; gnomAD 0.00408; TOPMed 0.00454; ESP Exome Variant Server 0.00484.
gnomAD v4.1: 1,270 of 1,614,040 alleles (0.079%); highest among the groups gnomAD compares: African/African-American, 1.5%; 4 homozygotes.

Submissions (3):

Labcorp Genetics (formerly Invitae), Labcorp
Classification: Benign. Last evaluated: 2026-01-18. Review status: criteria provided, single submitter. Criteria: Invitae Variant Classification Sherloc (09022015). Collection method: clinical testing. Allele origin: germline.

Illumina Laboratory Services, Illumina
Classification: Likely benign for Glucocorticoid resistance. Last evaluated: 2017-04-28. Review status: criteria provided, single submitter. Criteria: ICSL Variant Classification Criteria 13 December 2019. Collection method: clinical testing. Allele origin: germline.
Comment: This variant was observed as part of a predisposition screen in an ostensibly healthy population. A literature search was performed for the gene, cDNA change, and amino acid change (where applicable). Publications were found based on this search. The evidence from the literature, in combination with allele frequency data from public databases where available, was sufficient to determine this variant is unlikely to cause disease. Therefore, this variant is classified as likely benign.

Breakthrough Genomics
Classification: Likely benign. Review status: criteria provided, single submitter. Criteria: ACMG Guidelines, 2015. Collection method: not provided. Allele origin: germline. Inheritance: Autosomal dominant inheritance. Affected: yes.

Literature cited by the submitters: PubMed 15497438 (cited by Illumina Laboratory Services, Illumina); PubMed 18854398 (cited by Illumina Laboratory Services, Illumina); PubMed 22445700 (cited by Illumina Laboratory Services, Illumina); PubMed 19435830 (cited by Illumina Laboratory Services, Illumina).